The following is an entry in ClinVar:

NM_000173.7(GP1BA):c.1326_1334del (p.Glu442_Pro445delinsAsp)

Gene: GP1BA (glycoprotein Ib platelet subunit alpha; plus strand). Cytogenetic location: 17p13.2.
Variant type: Deletion.
Coding change: c.1326_1334del on transcript NM_000173.7 (MANE Select); coding-DNA positions 1326 to 1334, 9 bases deleted (GCCCGCCCC; older notation c.1326_1334delGCCCGCCCC).
Protein change: p.Glu442_Pro445delinsAsp.
Molecular consequence: inframe indel.
Genome position (GRCh38, 1-based): chr17:4,933,930-4,933,938, GCCCGCCCC deleted. VCF-style (leftmost placement, unchanged base first): chr17-4933929-AGCCCGCCCC-A. GRCh37 (hg19) VCF-style: chr17-4837224-AGCCCGCCCC-A.
Identifiers: ClinVar variation 1677260 (VCV001677260.1), dbSNP rs2151108403, ClinGen allele CA2573152978.

ClinVar aggregate classification (germline): Pathogenic (1 of 4 stars; one submission).

Conditions:
Pseudo von Willebrand disease (VWDP). Also called: Platelet-type von Willebrand disease; BLEEDING DISORDER, PLATELET-TYPE, 3. Identifiers: Orphanet 52530, MedGen C1280798, MONDO:0008332, OMIM 177820.

Submission:

ISTH-SSC Genomics in Thrombosis and Hemostasis, KU Leuven, Center for Molecular and Vascular Biology
Classification: Pathogenic for Pseudo von Willebrand disease. Review status: criteria provided, single submitter. Criteria: ACMG Guidelines, 2015. Collection method: clinical testing. Allele origin: unknown, maternal. Affected: yes. Observed: 3 heterozygotes.
Comment: GoldVariant submitter: Maha Othman Department of Pathology and Molecular Medicine, Queen's University, Canada

Literature cited by the submitters: PubMed 34355501.